The following is an entry in ClinVar:

ClinVar aggregate classification (germline): Benign (1 of 4 stars; one submission).

Conditions:
Ceroid lipofuscinosis, neuronal, 4 (Kufs type) (CLN4). Also called: Neuronal ceroid lipofuscinosis 4B; Ceroid lipofuscinosis, neuronal, 4, Parry type. Identifiers: Orphanet 228343, Orphanet 79262, MedGen C1834207, MONDO:0008083, OMIM 162350.

Allele frequency attached by ClinVar (database versions not stated): 1000 Genomes Project 0.00220; gnomAD 0.00232 and 0.00237; 1000 Genomes Project 30x 0.00250; TOPMed 0.00515.

Submission:

Illumina Laboratory Services, Illumina
Classification: Benign for Ceroid lipofuscinosis, neuronal, 4 (Kufs type). Last evaluated: 2018-01-12. Review status: criteria provided, single submitter. Criteria: ICSL Variant Classification Criteria 13 December 2019. Collection method: clinical testing. Allele origin: germline.
Comment: This variant was observed in the ICSL laboratory as part of a predisposition screen in an ostensibly healthy population. It had not been previously curated by ICSL or reported in the Human Gene Mutation Database (HGMD: prior to June 1st, 2018), and was therefore a candidate for classification through an automated scoring system. Utilizing variant allele frequency, disease prevalence and penetrance estimates, and inheritance mode, an automated score was calculated to assess if this variant is too frequent to cause the disease. Based on the score and internal cut-off values, a variant classified as benign is not then subjected to further curation. The score for this variant resulted in a classification of benign for this disease.

NM_025219.3(DNAJC5):c.*1820C>A

Gene: DNAJC5 (DnaJ heat shock protein family (Hsp40) member C5; plus strand). Cytogenetic location: 20q13.33.
Variant type: single nucleotide variant.
Coding change: c.*1820C>A on transcript NM_025219.3 (MANE Select); 1820 bases downstream of the stop codon, C replaced by A.
Molecular consequence: 3 prime UTR variant.
Genome position (GRCh38, 1-based): chr20:63,933,388, C>A. VCF-style: chr20-63933388-C-A. GRCh37 (hg19) VCF-style: chr20-62564741-C-A.
Identifiers: ClinVar variation 339400 (VCV000339400.6), dbSNP rs182604967, ClinGen allele CA10652794.
Genomic context (GRCh38, chr20:63,933,388, plus strand): 5'-GACGTGCTTAGGAACAGGGTGCTGGTTGAGGGCCCCCAGCTGACCCCTACTGCAGATCCG[C>A]ATGTGGACCATGAGCCGGCTGCCAGCACTAGGTCCTGGGCAGCTTTGTTTGTCCCACTTT-3'